The following is an entry in ClinVar:

ClinVar aggregate classification (germline): Uncertain significance (1 of 4 stars; one submission).

Conditions:
NRP2-related disorder. Also called: NRP2-related condition.

gnomAD v4.1: 2 of 1,614,218 alleles (0.00012%); highest among the groups gnomAD compares: South Asian, 0.0011%; no homozygotes.

Submission:

PreventionGenetics, part of Exact Sciences
Classification: Uncertain significance for NRP2-related condition. Last evaluated: 2024-10-30. Review status: criteria provided, single submitter. Criteria: ACMG Guidelines, 2015. Collection method: clinical testing. Allele origin: germline.
Comment: The NRP2 c.1935T>A variant is predicted to result in the amino acid substitution p.Asn645Lys. To our knowledge, this variant has not been reported in the literature. This variant is reported in 0.0033% of alleles in individuals of South Asian descent in gnomAD. At this time, the clinical significance of this variant is uncertain due to the absence of conclusive functional and genetic evidence.

NM_003872.3(NRP2):c.1935T>A (p.Asn645Lys)

Genes: NRP2 (neuropilin 2; plus strand), LOC126806481 (CDK7 strongly-dependent group 2 enhancer GRCh37_chr2:206617009-206618208; plus strand). Cytogenetic location: 2q33.3.
Variant type: single nucleotide variant.
Coding change: c.1935T>A on transcript NM_003872.3 (MANE Select); coding-DNA position 1935, T replaced by A.
Protein change: p.Asn645Lys; replaces asparagine 645 with lysine.
Molecular consequence: missense variant.
Genome position (GRCh38, 1-based): chr2:205,752,866, T>A. VCF-style: chr2-205752866-T-A. GRCh37 (hg19) VCF-style: chr2-206617590-T-A.
Other names: c.1935T>A, p.Asn645Lys (NM_018534.4, NM_201266.2, NM_201267.2 and 1 more transcripts); short protein forms N645K.
Identifiers: ClinVar variation 4997934 (VCV004997934.1).